The following is an entry in ClinVar:

ClinVar aggregate classification (germline): Conflicting classifications of pathogenicity. Review status: criteria provided, conflicting classifications (1 of 4 stars). 7 submissions from 7 submitters: Uncertain significance (1); Benign (2); Likely benign (3). 1 of the submissions does not count toward it. Last evaluated 2026-01-29.

Conditions:
ZNF469-related disorder. Also called: ZNF469-related condition.
Cardiovascular phenotype. Identifiers: MedGen CN230736.
Ehlers-Danlos syndrome (EDS). Identifiers: Orphanet 98249, MedGen C0013720, MONDO:0020066.

Allele frequency attached by ClinVar (database versions not stated): gnomAD exomes 0.00038 and 0.00109; gnomAD 0.00054 and 0.00058; TOPMed 0.00058; ExAC 0.00225.
gnomAD v4.1: 676 of 1,550,042 alleles (0.044%); highest among the groups gnomAD compares: Middle Eastern, 0.017%; 6 homozygotes.

Submissions (7):

Labcorp Genetics (formerly Invitae), Labcorp
Classification: Likely benign. Last evaluated: 2026-01-29. Review status: criteria provided, single submitter. Criteria: Invitae Variant Classification Sherloc (09022015). Collection method: clinical testing. Allele origin: germline.

Mayo Clinic Laboratories, Mayo Clinic
Classification: Benign. Last evaluated: 2025-04-16. Review status: criteria provided, single submitter. Criteria: ACMG Guidelines, 2015. Collection method: clinical testing. Allele origin: germline. Observed: 1 variant allele.
Comment: BS1, BS2, BP4_moderate

Ambry Genetics
Classification: Likely benign for Cardiovascular phenotype. Last evaluated: 2023-02-14. Review status: criteria provided, single submitter. Criteria: Ambry Variant Classification Scheme 2023. Collection method: clinical testing. Allele origin: germline.

Genome Diagnostics Laboratory, The Hospital for Sick Children
Classification: Likely benign for Ehlers-Danlos syndrome. Last evaluated: 2021-06-14. Review status: criteria provided, single submitter. Criteria: ACMG Guidelines, 2015. Collection method: clinical testing. Allele origin: germline.

GeneDx
Classification: Benign. Last evaluated: 2019-04-15. Review status: criteria provided, single submitter. Criteria: GeneDx Variant Classification Process June 2021. Collection method: clinical testing. Allele origin: germline. Affected: yes.

Eurofins Ntd Llc (ga)
Classification: Uncertain significance. Last evaluated: 2015-02-09. Review status: criteria provided, single submitter. Criteria: EGL Classification Definitions 2015. Collection method: clinical testing. Allele origin: germline. Observed: 1 variant allele, 1 heterozygote.

PreventionGenetics, part of Exact Sciences
Classification: Benign for ZNF469-related condition. Last evaluated: 2023-08-16. Review status: no assertion criteria provided. Collection method: clinical testing. Allele origin: germline. Not counted in ClinVar's aggregate classification.
Comment: This variant is classified as benign based on ACMG/AMP sequence variant interpretation guidelines (Richards et al. 2015 PMID: 25741868, with internal and published modifications).

NM_001367624.2(ZNF469):c.1088C>T (p.Ser363Leu)

Gene: ZNF469 (zinc finger protein 469; plus strand). Cytogenetic location: 16q24.2.
Variant type: single nucleotide variant.
Coding change: c.1088C>T on transcript NM_001367624.2 (MANE Select); coding-DNA position 1088, C replaced by T.
Protein change: p.Ser363Leu; replaces serine 363 with leucine.
Molecular consequence: missense variant.
Genome position (GRCh38, 1-based): chr16:88,428,558, C>T. VCF-style: chr16-88428558-C-T. GRCh37 (hg19) VCF-style: chr16-88494966-C-T.
Other names: NM_001127464.1:c.1088C>T; NM_001127464.2:c.1088C>T; p.Ser363Leu; short protein forms S363L.
Identifiers: ClinVar variation 193176 (VCV000193176.25), dbSNP rs771000169, ClinGen allele CA238686.
Genomic context (GRCh38, chr16:88,428,558, plus strand): 5'-GTGGCCTGAACCGCCACAGCGACCTCAGTGGTGCCCTCTCTTCCCCTGGAGCTGCTCACT[C>T]GGCCCCGAGACCCTTCTCTGACAGTTTACACAAGAGCCTGACCAAAATCCTTCCCGAAAG-3'
Protein context (NP_001354553.1, residues 353-373): GALSSPGAAH[Ser363Leu]APRPFSDSLH